The following is an entry in ClinVar:

ClinVar aggregate classification (germline): Benign/Likely benign. Review status: criteria provided, multiple submitters, no conflicts (2 of 4 stars). 7 submissions from 7 submitters: Benign (1); Likely benign (5). 1 of the submissions does not count toward it. Last evaluated 2026-02-03.

Conditions:
Dyskeratosis congenita, autosomal recessive 5 (DKCB5). Identifiers: MedGen C3554656, MONDO:0014076, OMIM 615190.
Pulmonary fibrosis and/or bone marrow failure, Telomere-related, 3. Also called: PULMONARY FIBROSIS AND/OR BONE MARROW FAILURE SYNDROME, TELOMERE-RELATED, 3. Identifiers: Orphanet 2032, MedGen C4225346, MONDO:0014613, OMIM 616373.
Dyskeratosis congenita. Identifiers: Orphanet 1775, MedGen C0265965, MONDO:0015780.
Inborn genetic diseases. Identifiers: MedGen C0950123, MeSH D030342.

Allele frequency attached by ClinVar (database versions not stated): gnomAD 0.00032 and 0.00047; TOPMed 0.00056; gnomAD exomes 0.00132; ExAC 0.00134; 1000 Genomes Project 30x 0.00297; 1000 Genomes Project 0.00300.
gnomAD v4.1: 471 of 1,611,310 alleles (0.029%); highest among the groups gnomAD compares: East Asian, 0.92%; 2 homozygotes.

Submissions (7):

Labcorp Genetics (formerly Invitae), Labcorp
Classification: Benign for Dyskeratosis congenita, autosomal recessive 5; Pulmonary fibrosis and/or bone marrow failure, Telomere-related, 3. Last evaluated: 2026-02-03. Review status: criteria provided, single submitter. Criteria: Invitae Variant Classification Sherloc (09022015). Collection method: clinical testing. Allele origin: germline.

CeGaT Center for Human Genetics Tuebingen
Classification: Likely benign. Last evaluated: 2025-10-01. Review status: criteria provided, single submitter. Criteria: CeGaT Center For Human Genetics Tuebingen Variant Classification Criteria Version 2. Collection method: clinical testing. Allele origin: germline. Affected: yes. Observed: 1 variant allele.
Comment: RTEL1: BP4, BP7

Mayo Clinic Laboratories, Mayo Clinic
Classification: Likely benign. Last evaluated: 2025-09-22. Review status: criteria provided, single submitter. Criteria: ACMG Guidelines, 2015. Collection method: clinical testing. Allele origin: germline. Observed: 1 variant allele.
Comment: BS1, BP4, BP7

Ambry Genetics
Classification: Likely benign for Inborn genetic diseases. Last evaluated: 2022-05-02. Review status: criteria provided, single submitter. Criteria: Ambry Variant Classification Scheme 2023. Collection method: clinical testing. Allele origin: germline.

Genetic Services Laboratory, University of Chicago
Classification: Likely benign. Last evaluated: 2015-10-07. Review status: criteria provided, single submitter. Criteria: ACMG Guidelines, 2015. Collection method: clinical testing. Allele origin: germline. Affected: no.

Breakthrough Genomics
Classification: Likely benign. Review status: criteria provided, single submitter. Criteria: ACMG Guidelines, 2015. Collection method: not provided. Allele origin: germline. Inheritance: Autosomal recessive inheritance. Affected: yes.

Natera, Inc.
Classification: Benign for Dyskeratosis congenita. Last evaluated: 2020-09-16. Review status: no assertion criteria provided. Collection method: clinical testing. Allele origin: germline. Not counted in ClinVar's aggregate classification.

NM_001283009.2(RTEL1):c.1260C>T (p.Ser420=)

Genes: RTEL1-TNFRSF6B (RTEL1-TNFRSF6B readthrough (NMD candidate); plus strand), RTEL1 (regulator of telomere elongation helicase 1; plus strand). Cytogenetic location: 20q13.33.
Variant type: single nucleotide variant.
Coding change: c.1260C>T on transcript NM_001283009.2 (MANE Select); coding-DNA position 1260, C replaced by T.
Protein change: p.Ser420=; no amino-acid change (serine 420 retained).
Molecular consequence: synonymous variant. On other transcripts: non-coding transcript variant (1).
Genome position (GRCh38, 1-based): chr20:63,685,591, C>T. VCF-style: chr20-63685591-C-T. GRCh37 (hg19) VCF-style: chr20-62316944-C-T.
Other names: p.Ser420=; c.591C>T, p.Ser197= (NM_001283010.1); c.1260C>T, p.Ser420= (NM_016434.4); c.1332C>T, p.Ser444= (NM_032957.5).
Identifiers: ClinVar variation 436564 (VCV000436564.27), dbSNP rs188479221, ClinGen allele CA9964687.
Genomic context (GRCh38, chr20:63,685,591, plus strand): 5'-CAGTGTGGACCCCTCCGAGGGCAGCCCTGGTTCCCCAGCAGGGCTGGGGGCCTTACAGTC[C>T]TATAAGGTAGGGGCCACCTCCAGGAGGCAGGTGGAGGGCAGCCCTTGTTCCCCGGCAGGG-3'
Protein context (NP_001269938.1, residues 410-430): GSPAGLGALQ[Ser420=]YKVHIHPDAG